The following is an entry in ClinVar:

NM_031844.3(HNRNPU):c.635G>C (p.Gly212Ala)

Gene: HNRNPU (heterogeneous nuclear ribonucleoprotein U; minus strand). Cytogenetic location: 1q44.
Variant type: single nucleotide variant.
Coding change: c.635G>C on transcript NM_031844.3 (MANE Select); coding-DNA position 635, G replaced by C.
Protein change: p.Gly212Ala; replaces glycine 212 with alanine.
Molecular consequence: missense variant. On other transcripts: splice donor variant (1).
Genome position (GRCh38, 1-based): chr1:244,863,673, C>G on the plus strand (G>C on the coding strand, the complement: HNRNPU is on the minus strand). VCF-style: chr1-244863673-C-G. GRCh37 (hg19) VCF-style: chr1-245026975-C-G.
Other names: c.634+1G>C (NM_004501.3); short protein forms G212A.
Identifiers: ClinVar variation 1349416 (VCV001349416.8), dbSNP rs2102990472, ClinGen allele CA345496237.

ClinVar aggregate classification (germline): Uncertain significance (1 of 4 stars; one submission).

Conditions:
Developmental and epileptic encephalopathy, 54. Also called: HNRNPU-Related Neurodevelopmental Disorder; Epileptic encephalopathy, early infantile, 54. Identifiers: MedGen C4479319, MONDO:0033363, OMIM 617391.

Submission:

Labcorp Genetics (formerly Invitae), Labcorp
Classification: Uncertain significance for Developmental and epileptic encephalopathy, 54. Last evaluated: 2021-04-22. Review status: criteria provided, single submitter. Criteria: Invitae Variant Classification Sherloc (09022015). Collection method: clinical testing. Allele origin: germline.
Comment: In summary, the available evidence is currently insufficient to determine the role of this variant in disease. Therefore, it has been classified as a Variant of Uncertain Significance. Algorithms developed to predict the effect of missense changes on protein structure and function are either unavailable or do not agree on the potential impact of this missense change (SIFT: "Tolerated"; PolyPhen-2: "Possibly Damaging"; Align-GVGD: "Class C0"). This variant has not been reported in the literature in individuals with HNRNPU-related conditions. This variant is not present in population databases (ExAC no frequency). This sequence change replaces glycine with alanine at codon 212 of the HNRNPU protein (p.Gly212Ala). The glycine residue is weakly conserved and there is a small physicochemical difference between glycine and alanine.